The following is an entry in ClinVar:

NM_005896.4(IDH1):c.818A>T (p.Asp273Val)

Gene: IDH1 (isocitrate dehydrogenase (NADP(+)) 1; minus strand). Cytogenetic location: 2q34.
Variant type: single nucleotide variant.
Coding change: c.818A>T on transcript NM_005896.4 (MANE Select); coding-DNA position 818, A replaced by T.
Protein change: p.Asp273Val; replaces aspartic acid 273 with valine.
Molecular consequence: missense variant.
Genome position (GRCh38, 1-based): chr2:208,242,026, T>A on the plus strand (A>T on the coding strand, the complement: IDH1 is on the minus strand). VCF-style: chr2-208242026-T-A. GRCh37 (hg19) VCF-style: chr2-209106750-T-A.
Other names: c.818A>T, p.Asp273Val (NM_001282386.1, NM_001282387.1); short protein forms D273V.
Identifiers: ClinVar variation 3527516 (VCV003527516.1).

ClinVar aggregate classification (germline): Uncertain significance (1 of 4 stars; one submission).

Submission:

Ambry Genetics
Classification: Uncertain significance. Last evaluated: 2024-10-05. Review status: criteria provided, single submitter. Criteria: Ambry Variant Classification Scheme 2023. Collection method: clinical testing. Allele origin: germline.
Comment: The p.D273V variant (also known as c.818A>T), located in coding exon 5 of the IDH1 gene, results from an A to T substitution at nucleotide position 818. The aspartic acid at codon 273 is replaced by valine, an amino acid with highly dissimilar properties. This amino acid position is conserved. In addition, this alteration is predicted to be deleterious by in silico analysis. Based on the available evidence, the clinical significance of this variant remains unclear.